The following is an entry in ClinVar:

ClinVar aggregate classification (germline): Uncertain significance (1 of 4 stars; one submission).

Conditions:
Cardiovascular phenotype. Identifiers: MedGen CN230736.

gnomAD v4.1: 1 of 1,612,124 alleles (0.000062%); highest among the groups gnomAD compares: South Asian, 0.0011%; no homozygotes.

Submission:

Ambry Genetics
Classification: Uncertain significance for Cardiovascular phenotype. Last evaluated: 2026-03-12. Review status: criteria provided, single submitter. Criteria: Ambry Variant Classification Scheme 2023. Collection method: clinical testing. Allele origin: germline.
Comment: The p.A567G variant (also known as c.1700C>G), located in coding exon 17 of the EYA4 gene, results from a C to G substitution at nucleotide position 1700. The alanine at codon 567 is replaced by glycine, an amino acid with similar properties. This amino acid position is conserved. In addition, the in silico prediction for this alteration is inconclusive. Based on the available evidence, the clinical significance of this variant remains unclear.

NM_004100.5(EYA4):c.1700C>G (p.Ala567Gly)

Genes: EYA4 (EYA transcriptional coactivator and phosphatase 4; plus strand), TARID (TCF21 antisense RNA inducing promoter demethylation; minus strand). Cytogenetic location: 6q23.2.
Variant type: single nucleotide variant.
Coding change: c.1700C>G on transcript NM_004100.5 (MANE Select); coding-DNA position 1700, C replaced by G.
Protein change: p.Ala567Gly; replaces alanine 567 with glycine.
Molecular consequence: missense variant.
Genome position (GRCh38, 1-based): chr6:133,523,139, C>G. VCF-style: chr6-133523139-C-G. GRCh37 (hg19) VCF-style: chr6-133844277-C-G.
Other names: c.1538C>G, p.Ala513Gly (NM_001301012.2); c.1718C>G, p.Ala573Gly (NM_001301013.2); c.1631C>G, p.Ala544Gly (NM_001370458.1, NM_172103.4); c.1556C>G, p.Ala519Gly (NM_001370459.1); c.1700C>G, p.Ala567Gly (NM_172105.4); short protein forms A519G, A567G, A573G, A513G, A544G.
Identifiers: ClinVar variation 4825917 (VCV004825917.1).